The following is an entry in ClinVar:

ClinVar aggregate classification (germline): Conflicting classifications of pathogenicity. Review status: criteria provided, conflicting classifications (1 of 4 stars). 4 submissions from 4 submitters: Uncertain significance (1); Likely benign (2). 1 of the submissions does not count toward it. Last evaluated 2026-01-13.

Conditions:
LRP5-related disorder. Also called: LRP5-related condition.

Allele frequency attached by ClinVar (database versions not stated): gnomAD exomes 0.00003 and 0.00012; ExAC 0.00015; TOPMed 0.00039; gnomAD 0.00046 and 0.00048; ESP Exome Variant Server 0.00054.

Submissions (4):

Labcorp Genetics (formerly Invitae), Labcorp
Classification: Likely benign. Last evaluated: 2026-01-13. Review status: criteria provided, single submitter. Criteria: Invitae Variant Classification Sherloc (09022015). Collection method: clinical testing. Allele origin: germline.

GeneDx
Classification: Uncertain significance. Last evaluated: 2025-12-31. Review status: criteria provided, single submitter. Criteria: GeneDx Variant Classification Process June 2021. Collection method: clinical testing. Allele origin: germline. Affected: yes.
Comment: In silico analysis suggests that this missense variant does not alter protein structure/function; Has not been previously published as pathogenic or benign to our knowledge

Blueprint Genetics
Classification: Likely benign. Last evaluated: 2022-09-28. Review status: criteria provided, single submitter. Criteria: ACMG Guidelines, 2015. Collection method: clinical testing. Allele origin: germline.

PreventionGenetics, part of Exact Sciences
Classification: Likely benign for LRP5-related condition. Last evaluated: 2024-03-28. Review status: no assertion criteria provided. Collection method: clinical testing. Allele origin: germline. Not counted in ClinVar's aggregate classification.
Comment: This variant is classified as likely benign based on ACMG/AMP sequence variant interpretation guidelines (Richards et al. 2015 PMID: 25741868, with internal and published modifications).

NM_002335.4(LRP5):c.4256A>G (p.Asn1419Ser)

Gene: LRP5 (LDL receptor related protein 5; plus strand). Cytogenetic location: 11q13.2.
Variant type: single nucleotide variant.
Coding change: c.4256A>G on transcript NM_002335.4 (MANE Select); coding-DNA position 4256, A replaced by G.
Protein change: p.Asn1419Ser; replaces asparagine 1419 with serine.
Molecular consequence: missense variant.
Genome position (GRCh38, 1-based): chr11:68,438,590, A>G. VCF-style: chr11-68438590-A-G. GRCh37 (hg19) VCF-style: chr11-68206058-A-G.
Other names: c.2513A>G, p.Asn838Ser (NM_001291902.2); short protein forms N1419S, N838S.
Identifiers: ClinVar variation 933539 (VCV000933539.15), dbSNP rs145750689, ClinGen allele CA6150294.